The following is an entry in ClinVar:

ClinVar aggregate classification (germline): Uncertain significance. Review status: criteria provided, multiple submitters, no conflicts (2 of 4 stars). 2 submissions from 2 submitters: Uncertain significance (2). Last evaluated 2025-06-10.

Conditions:
Neuronopathy, distal hereditary motor, autosomal recessive 4. Also called: NEUROPATHY, DISTAL HEREDITARY MOTOR, AUTOSOMAL RECESSIVE 4; Autosomal recessive lower motor neuron disease with childhood onset. Identifiers: Orphanet 206580, MedGen C1970211, MONDO:0012608, OMIM 611067.
Charcot-Marie-Tooth disease recessive intermediate C. Also called: CHARCOT-MARIE-TOOTH NEUROPATHY, RECESSIVE INTERMEDIATE C. Identifiers: Orphanet 369867, MedGen C3809309, MONDO:0014154, OMIM 615376.
Inborn genetic diseases. Identifiers: MedGen C0950123, MeSH D030342.

Allele frequency attached by ClinVar (database versions not stated): gnomAD exomes below 0.00001 and 0.00001.
gnomAD v4.1: 13 of 1,613,604 alleles (0.00081%); highest among the groups gnomAD compares: Non-Finnish European, 0.0011%; no homozygotes.

Submissions (2):

Ambry Genetics
Classification: Uncertain significance for Inborn genetic diseases. Last evaluated: 2025-06-10. Review status: criteria provided, single submitter. Criteria: Ambry Variant Classification Scheme 2023. Collection method: clinical testing. Allele origin: germline.

Labcorp Genetics (formerly Invitae), Labcorp
Classification: Uncertain significance for Neuronopathy, distal hereditary motor, autosomal recessive 4; Charcot-Marie-Tooth disease recessive intermediate C. Last evaluated: 2021-08-28. Review status: criteria provided, single submitter. Criteria: Invitae Variant Classification Sherloc (09022015). Collection method: clinical testing. Allele origin: germline.
Comment: This sequence change replaces arginine with glutamine at codon 25 of the PLEKHG5 protein (p.Arg25Gln). The arginine residue is highly conserved and there is a small physicochemical difference between arginine and glutamine. This variant is not present in population databases (ExAC no frequency). This variant has not been reported in the literature in individuals affected with PLEKHG5-related conditions. Algorithms developed to predict the effect of missense changes on protein structure and function are either unavailable or do not agree on the potential impact of this missense change (SIFT: "Deleterious"; PolyPhen-2: "Probably Damaging"; Align-GVGD: "Class C0"). Algorithms developed to predict the effect of sequence changes on RNA splicing suggest that this variant may create or strengthen a splice site. In summary, the available evidence is currently insufficient to determine the role of this variant in disease. Therefore, it has been classified as a Variant of Uncertain Significance.

NM_020631.6(PLEKHG5):c.74G>A (p.Arg25Gln)

Gene: PLEKHG5 (pleckstrin homology and RhoGEF domain containing G5; minus strand). Cytogenetic location: 1p36.31.
Variant type: single nucleotide variant.
Coding change: c.74G>A on transcript NM_020631.6 (MANE Select); coding-DNA position 74, G replaced by A.
Protein change: p.Arg25Gln; replaces arginine 25 with glutamine.
Molecular consequence: missense variant.
Genome position (GRCh38, 1-based): chr1:6,476,006, C>T on the plus strand (G>A on the coding strand, the complement: PLEKHG5 is on the minus strand). VCF-style: chr1-6476006-C-T. GRCh37 (hg19) VCF-style: chr1-6536066-C-T.
Other names: c.185G>A, p.Arg62Gln (NM_001042663.3, NM_001265592.2); c.74G>A, p.Arg25Gln (NM_001042664.2, NM_001042665.2, NM_001265594.3 and 1 more transcripts); c.281G>A, p.Arg94Gln (NM_001265593.2); short protein forms R62Q, R94Q, R25Q.
Identifiers: ClinVar variation 1352414 (VCV001352414.6), dbSNP rs1201574261, ClinGen allele CA338141459.